The following is an entry in ClinVar:

ClinVar aggregate classification (germline): Likely benign. Review status: criteria provided, multiple submitters, no conflicts (2 of 4 stars). 4 submissions from 4 submitters: Likely benign (3). 1 of the submissions does not count toward it. Last evaluated 2026-01-28.

Conditions:
Inborn genetic diseases. Identifiers: MedGen C0950123, MeSH D030342.
SAMD9-related disorder. Also called: SAMD9-related condition.

Allele frequency attached by ClinVar (database versions not stated): ExAC 0.00003; TOPMed 0.00007; gnomAD 0.00008.

Submissions (4):

Labcorp Genetics (formerly Invitae), Labcorp
Classification: Likely benign. Last evaluated: 2026-01-28. Review status: criteria provided, single submitter. Criteria: Invitae Variant Classification Sherloc (09022015). Collection method: clinical testing. Allele origin: germline.

Ambry Genetics
Classification: Likely benign for Inborn genetic diseases. Last evaluated: 2025-01-08. Review status: criteria provided, single submitter. Criteria: Ambry Variant Classification Scheme 2023. Collection method: clinical testing. Allele origin: germline.

Blueprint Genetics
Classification: Likely benign. Last evaluated: 2023-05-26. Review status: criteria provided, single submitter. Criteria: ACMG Guidelines, 2015. Collection method: clinical testing. Allele origin: germline.

PreventionGenetics, part of Exact Sciences
Classification: Likely benign for SAMD9-related condition. Last evaluated: 2020-11-04. Review status: no assertion criteria provided. Collection method: clinical testing. Allele origin: germline. Not counted in ClinVar's aggregate classification.
Comment: This variant is classified as likely benign based on ACMG/AMP sequence variant interpretation guidelines (Richards et al. 2015 PMID: 25741868, with internal and published modifications).

NM_017654.4(SAMD9):c.1917T>G (p.Thr639=)

Gene: SAMD9 (sterile alpha motif domain containing 9; minus strand). Cytogenetic location: 7q21.2.
Variant type: single nucleotide variant.
Coding change: c.1917T>G on transcript NM_017654.4 (MANE Select); coding-DNA position 1917, T replaced by G.
Protein change: p.Thr639=; no amino-acid change (threonine 639 retained).
Molecular consequence: synonymous variant.
Genome position (GRCh38, 1-based): chr7:93,104,181, A>C on the plus strand (T>G on the coding strand, the complement: SAMD9 is on the minus strand). VCF-style: chr7-93104181-A-C. GRCh37 (hg19) VCF-style: chr7-92733494-A-C.
Other names: c.1917T>G, p.Thr639= (NM_001193307.2); c.1917T>G (NM_017654.3).
Identifiers: ClinVar variation 2041897 (VCV002041897.8), dbSNP rs761243830, ClinGen allele CA4342910.
Genomic context (GRCh38, chr7:93,104,181, plus strand): 5'-TTCATTTTCACAGATAATTTCCAGAGCAGTCATGATATCTTCTTCCTTTTTCAGAAGGAC[A>C]GTCGATAAACCAATAGATGGCAAAAGCCTTTTTGAAGATTGAGTCACAGATTTTAGTTTA-3'
Protein context (NP_060124.2, residues 629-649): KRLLPSIGLS[Thr639=]VLLKKEEDIM